The following is an entry in ClinVar:

ClinVar aggregate classification (germline): Pathogenic. Review status: criteria provided, multiple submitters, no conflicts (2 of 4 stars). 6 submissions from 6 submitters: Pathogenic (6). Last evaluated 2025-06-25.

Conditions:
Hereditary cancer-predisposing syndrome. Also called: Hereditary Cancer Syndrome; Neoplastic Syndromes, Hereditary; Hereditary neoplastic syndrome; Tumor predisposition. Identifiers: Orphanet 140162, MedGen C0027672, MeSH D009386, MONDO:0015356.
Hereditary nonpolyposis colorectal neoplasms. Identifiers: MedGen C0009405, MeSH D003123.
Hereditary nonpolyposis colon cancer (HNPCC). Also called: Hereditary Nonpolyposis Colorectal Cancer Syndrome; Hereditary nonpolyposis colorectal cancer; Familial nonpolyposis colon cancer. Identifiers: Orphanet 443909, MedGen C1333990, MONDO:0018630. Disease mechanism: loss of function.
Lynch syndrome 5 (LYNCH5). Also called: Hereditary non-polyposis colorectal cancer, type 5; Colorectal cancer, hereditary nonpolyposis, type 5. Identifiers: Orphanet 144, MedGen C1833477, MONDO:0013710, OMIM 614350. Disease mechanism: loss of function.

Submissions (6):

Quest Diagnostics Nichols Institute San Juan Capistrano
Classification: Pathogenic. Last evaluated: 2025-06-25. Review status: criteria provided, single submitter. Criteria: Quest Diagnostics criteria. Collection method: clinical testing. Allele origin: unknown.
Comment: The MSH6 c.2863del (p.Leu955*) variant causes the premature termination of MSH6 protein synthesis. This variant has not been reported in large, multi-ethnic general populations (Genome Aggregation Database). Based on the available information, this variant is classified as pathogenic.

Ambry Genetics
Classification: Pathogenic for Hereditary cancer-predisposing syndrome. Last evaluated: 2025-03-18. Review status: criteria provided, single submitter. Criteria: Ambry Variant Classification Scheme 2023. Collection method: clinical testing. Allele origin: germline.
Comment: The c.2863delC pathogenic mutation, located in coding exon 4 of the MSH6 gene, results from a deletion of one nucleotide at nucleotide position 2863, causing a translational frameshift with a predicted alternate stop codon (p.L955*). This alteration is expected to result in loss of function by premature protein truncation or nonsense-mediated mRNA decay. As such, this alteration is interpreted as a disease-causing mutation.

Women's Health and Genetics/Laboratory Corporation of America, LabCorp
Classification: Pathogenic for Hereditary nonpolyposis colon cancer. Last evaluated: 2024-07-03. Review status: criteria provided, single submitter. Criteria: LabCorp Variant Classification Summary - May 2015. Collection method: clinical testing. Allele origin: germline.
Comment: Variant summary: MSH6 c.2863delC (p.Leu955X) results in a premature termination codon, predicted to cause absence of the protein due to nonsense mediated decay, which is a commonly known mechanism for disease. The variant was absent in 250316 control chromosomes. To our knowledge, no occurrence of c.2863delC in individuals affected with Hereditary Nonpolyposis Colorectal Cancer and no experimental evidence demonstrating its impact on protein function have been reported. ClinVar contains an entry for this variant (Variation ID: 428322). Based on the evidence outlined above, the variant was classified as pathogenic.

Myriad Genetics, Inc.
Classification: Pathogenic for Lynch syndrome 5. Last evaluated: 2023-08-21. Review status: criteria provided, single submitter. Criteria: Myriad Autosomal Dominant, Autosomal Recessive and X-Linked Classification Criteria (2023). Collection method: clinical testing. Allele origin: unknown.
Comment: This variant is considered pathogenic. This variant creates a termination codon and is predicted to result in premature protein truncation.

Labcorp Genetics (formerly Invitae), Labcorp
Classification: Pathogenic for Hereditary nonpolyposis colorectal neoplasms. Last evaluated: 2022-03-31. Review status: criteria provided, single submitter. Criteria: Invitae Variant Classification Sherloc (09022015). Collection method: clinical testing. Allele origin: germline.
Comment: For these reasons, this variant has been classified as Pathogenic. ClinVar contains an entry for this variant (Variation ID: 428322). This variant has not been reported in the literature in individuals affected with MSH6-related conditions. This variant is not present in population databases (gnomAD no frequency). This sequence change creates a premature translational stop signal (p.Leu955*) in the MSH6 gene. It is expected to result in an absent or disrupted protein product. Loss-of-function variants in MSH6 are known to be pathogenic (PMID: 18269114, 24362816).

GeneDx
Classification: Pathogenic. Last evaluated: 2021-12-23. Review status: criteria provided, single submitter. Criteria: GeneDx Variant Classification Process June 2021. Collection method: clinical testing. Allele origin: germline. Affected: yes.
Comment: Nonsense variant predicted to result in protein truncation or nonsense mediated decay in a gene for which loss-of-function is a known mechanism of disease; Not observed in large population cohorts (Lek 2016); Truncating variants in this gene are considered pathogenic by a well-established clinical consortium and/or database; Has not been previously published as pathogenic or benign to our knowledge

Literature cited by the submitters: PubMed 18269114 (cited by Labcorp Genetics (formerly Invitae), Labcorp); PubMed 24362816 (cited by Labcorp Genetics (formerly Invitae), Labcorp).

NM_000179.3(MSH6):c.2863del (p.Tyr954_Leu955insTer)

Gene: MSH6 (mutS homolog 6; plus strand). Cytogenetic location: 2p16.3.
Variant type: Deletion.
Coding change: c.2863del on transcript NM_000179.3 (MANE Select); coding-DNA position 2863, one base deleted (C; older notation c.2863delC).
Protein change: p.Tyr954_Leu955insTer.
Molecular consequence: nonsense.
Genome position (GRCh38, 1-based): chr2:47,800,846, C deleted; the last of 2 consecutive C bases (chr2:47,800,845-47,800,846); deleting either gives the same sequence. VCF-style (leftmost placement, unchanged base first): chr2-47800844-AC-A. GRCh37 (hg19) VCF-style: chr2-48027983-AC-A.
Other names: c.2473del, p.Tyr824_Leu825insTer (NM_001281492.2); c.1957del, p.Tyr652_Leu653insTer (NM_001281493.2, NM_001281494.2); c.2863delC (NM_000179.2, NM_000179.3).
Identifiers: ClinVar variation 428322 (VCV000428322.17), dbSNP rs1114167714, ClinGen allele CA645369257.
Genomic context (GRCh38, chr2:47,800,844, plus strand): 5'-ACTCTGATTATGACCAAGCTCTTGCTGACATAAGAGAAAATGAACAGAGCCTCCTGGAAT[AC>A]CTAGAGAAACAGCGCAACAGAATTGGCTGTAGGACCATAGTCTATTGGGGGATTGGTAGG-3'